The following is an entry in ClinVar:

NM_006218.4(PIK3CA):c.112C>T (p.Arg38Cys)

Gene: PIK3CA (phosphatidylinositol-4,5-bisphosphate 3-kinase catalytic subunit alpha; plus strand). Cytogenetic location: 3q26.32.
Variant type: single nucleotide variant.
Coding change: c.112C>T on transcript NM_006218.4 (MANE Select); coding-DNA position 112, C replaced by T.
Protein change: p.Arg38Cys; replaces arginine 38 with cysteine.
Molecular consequence: missense variant.
Genome position (GRCh38, 1-based): chr3:179,198,937, C>T. VCF-style: chr3-179198937-C-T. GRCh37 (hg19) VCF-style: chr3-178916725-C-T.
Other names: c.112C>T (NM_006218.2); short protein forms R38C.
Identifiers: ClinVar variation 376493 (VCV000376493.15), dbSNP rs749415085, ClinGen allele CA2710497.
Genomic context (GRCh38, chr3:179,198,937, plus strand): 5'-CCAAGAATCCTAGTAGAATGTTTACTACCAAATGGAATGATAGTGACTTTAGAATGCCTC[C>T]GTGAGGCTACATTAATAACCATAAAGCATGAACTATTTAAAGAAGCAAGAAAATACCCCC-3'
Protein context (NP_006209.2, residues 28-48): NGMIVTLECL[Arg38Cys]EATLITIKHE

ClinVar aggregate classification (germline): Conflicting classifications of pathogenicity. Review status: criteria provided, conflicting classifications (1 of 4 stars). 3 submissions from 3 submitters: Likely pathogenic (1); Uncertain significance (2). Last evaluated 2026-09-01.
ClinVar aggregate classification (somatic clinical impact): Tier I - Strong (1 of 4 stars; one submission).
ClinVar aggregate classification (oncogenicity): Likely oncogenic (0 of 4 stars; one submission).

Conditions:
Cowden syndrome (CS). Also called: Cowden's disease; Cowden's syndrome; Cowden disease. Identifiers: Orphanet 201, MedGen C0018553, MONDO:0016063. Disease mechanism: gain of function.
Diffuse midline glioma, H3 K27M-mutant. Identifiers: MedGen C4289688, MONDO:0957196.
Colorectal cancer. Also called: Malignant Colorectal Neoplasm; Colorectal cancer, somatic. Identifiers: MedGen C0346629, MONDO:0005575, OMIM 114500.

Allele frequency attached by ClinVar (database versions not stated): ExAC 0.00001.

Submissions (5):

CeGaT Center for Human Genetics Tuebingen
Classification: Likely pathogenic. Last evaluated: 2026-09-01. Review status: criteria provided, single submitter. Criteria: CeGaT Center For Human Genetics Tuebingen Variant Classification Criteria Version 2. Collection method: clinical testing. Allele origin: germline. Affected: yes. Observed: 1 variant allele.
Comment: PIK3CA: PM1, PM2, PP3, PS3:Supporting

Institute for Genomic Medicine (IGM) Clinical Laboratory, Nationwide Children's Hospital
Classification: Tier I - Strong for Diffuse midline glioma, H3 K27M-mutant. Assertion type: diagnostic. Clinical significance: supports diagnosis. Last evaluated: 2024-09-26. Review status: criteria provided, single submitter. Criteria: AMP/ASCO/CAP Guidelines, 2017. Collection method: clinical testing. Allele origin: somatic. Affected: yes.
Comment: Variant has Tier I (strong) clinical significance as a diagnostic inclusion criterion in diffuse midline glioma, H3 K27M-mutant, based on the following evidence: 1) Documented in one or more cancer databases (e.g., St. Jude Pecan, COSMIC, CIViC, OncoKB). 2) Appears in one or more well-established professional guidelines (e.g., World Health Organization [WHO]; National Comprehensive Cancer Network [NCCN]) as providing diagnostic, prognostic, or therapeutic information. 3) Information in the literature supports potential biologic effect of variant (PMIDs: 29533785, 26122737, 18829572). 4) Diagnostic for a specific tumor type/classification based on well-powered studies with expert-level consensus (Evidence Level B; PMIDs: 24705251, 28966033, 24705252, 31348837, 25230881).

GeneDx
Classification: Uncertain significance. Last evaluated: 2023-05-24. Review status: criteria provided, single submitter. Criteria: GeneDx Variant Classification Process June 2021. Collection method: clinical testing. Allele origin: germline. Affected: yes.
Comment: In silico analysis supports that this missense variant has a deleterious effect on protein structure/function; Not observed at significant frequency in large population cohorts (gnomAD); Has not been previously reported as a pathogenic or benign germline variant to our knowledge; This variant is associated with the following publications: (PMID: 29438965, 26619011, 31565188, 33148674, 32269842, 34693559, 35070505, 35626111)

Labcorp Genetics (formerly Invitae), Labcorp
Classification: Uncertain significance for Cowden syndrome. Last evaluated: 2021-05-07. Review status: criteria provided, single submitter. Criteria: Invitae Variant Classification Sherloc (09022015). Collection method: clinical testing. Allele origin: germline.
Comment: In summary, the available evidence is currently insufficient to determine the role of this variant in disease. Therefore, it has been classified as a Variant of Uncertain Significance. Algorithms developed to predict the effect of missense changes on protein structure and function are either unavailable or do not agree on the potential impact of this missense change (SIFT: "Deleterious"; PolyPhen-2: "Probably Damaging"; Align-GVGD: "Class C0"). This variant has not been reported in the literature in individuals with PIK3CA-related conditions. ClinVar contains an entry for this variant (Variation ID: 376493). This variant is present in population databases (rs749415085, ExAC 0.002%). This sequence change replaces arginine with cysteine at codon 38 of the PIK3CA protein (p.Arg38Cys). The arginine residue is highly conserved and there is a large physicochemical difference between arginine and cysteine.

Genome Sciences Centre, British Columbia Cancer Agency
Classification: Likely oncogenic for Colorectal cancer. Last evaluated: 2016-07-11. Review status: no assertion criteria provided. Collection method: research. Allele origin: somatic. Affected: yes.

Literature cited by the submitters: PubMed 29533785 (cited by Institute for Genomic Medicine (IGM) Clinical Laboratory, Nationwide Children's Hospital); PubMed 26122737 (cited by Institute for Genomic Medicine (IGM) Clinical Laboratory, Nationwide Children's Hospital); PubMed 18829572 (cited by Institute for Genomic Medicine (IGM) Clinical Laboratory, Nationwide Children's Hospital); PubMed 24705251 (cited by Institute for Genomic Medicine (IGM) Clinical Laboratory, Nationwide Children's Hospital); PubMed 28966033 (cited by Institute for Genomic Medicine (IGM) Clinical Laboratory, Nationwide Children's Hospital); PubMed 24705252 (cited by Institute for Genomic Medicine (IGM) Clinical Laboratory, Nationwide Children's Hospital); PubMed 31348837 (cited by Institute for Genomic Medicine (IGM) Clinical Laboratory, Nationwide Children's Hospital); PubMed 25230881 (cited by Institute for Genomic Medicine (IGM) Clinical Laboratory, Nationwide Children's Hospital).